The following is an entry in ClinVar:

NM_033305.3(VPS13A):c.5725_5726insACTGTCTCTTATACACATC (p.Leu1909fs)

Gene: VPS13A (vacuolar protein sorting 13 homolog A; plus strand). Cytogenetic location: 9q21.2.
Variant type: Insertion.
Coding change: c.5725_5726insACTGTCTCTTATACACATC on transcript NM_033305.3 (MANE Select); coding-DNA positions 5725 to 5726, ACTGTCTCTTATACACATC inserted.
Protein change: p.Leu1909fs; shifts the reading frame from leucine 1909.
Molecular consequence: frameshift variant.
Genome position: GRCh38 VCF-style: chr9-77321641-T-TACTGTCTCTTATACACATC. GRCh37 (hg19) VCF-style: chr9-79936557-T-TACTGTCTCTTATACACATC.
Other names: c.5608_5609insACTGTCTCTTATACACATC, p.Leu1870fs (NM_001018037.2); c.5725_5726insACTGTCTCTTATACACATC, p.Leu1909fs (NM_001018038.3, NM_015186.4); short protein forms L1870fs, L1909fs.
Identifiers: ClinVar variation 5016333 (VCV005016333.1).

ClinVar aggregate classification (germline): Pathogenic (1 of 4 stars; one submission).

Conditions:
VPS13A-related neurodegenerative disease. Also called: ACANTHOCYTOSIS WITH NEUROLOGIC DISORDER; LEVINE-CRITCHLEY SYNDROME; Choreoacanthocytosis; Chorea-acanthocytosis; Choreaacanthocytosis; VPS13A Disease. Identifiers: Orphanet 2388, MedGen C0393576, MONDO:0008695, OMIM 200150.

Submission:

Myriad Genetics, Inc.
Classification: Pathogenic for VPS13A-related neurodegenerative disease. Last evaluated: 2024-05-14. Review status: criteria provided, single submitter. Criteria: Myriad Autosomal Dominant, Autosomal Recessive and X-Linked Classification Criteria (2023). Collection method: clinical testing. Allele origin: unknown.
Comment: NM_033305.2(VPS13A):c.5725_5726ins19(L1909Yfs*24) is expected to be pathogenic in the context of VPS13A disease. This variant is predicted to lead to an abnormal or absent protein product due to the creation of a premature termination codon in VPS13A, a gene where loss-of-function variants are known to be pathogenic. Please note: this variant was assessed in the context of healthy population screening.